The following is an entry in ClinVar:

ClinVar aggregate classification (germline): Likely benign (1 of 4 stars; one submission).

Submission:

CeGaT Center for Human Genetics Tuebingen
Classification: Likely benign. Last evaluated: 2024-09-01. Review status: criteria provided, single submitter. Criteria: CeGaT Center For Human Genetics Tuebingen Variant Classification Criteria Version 2. Collection method: clinical testing. Allele origin: germline. Affected: yes. Observed: 1 variant allele.
Comment: INSRR: PM2:Supporting, BP4, BP7

NM_014215.3(INSRR):c.1500G>A (p.Leu500=)

Genes: INSRR (insulin receptor related receptor; minus strand), NTRK1 (neurotrophic receptor tyrosine kinase 1; plus strand). Cytogenetic location: 1q23.1.
Variant type: single nucleotide variant.
Coding change: c.1500G>A on transcript NM_014215.3 (MANE Select); coding-DNA position 1500, G replaced by A.
Protein change: p.Leu500=; no amino-acid change (leucine 500 retained).
Molecular consequence: synonymous variant. On other transcripts: intron variant (1).
Genome position (GRCh38, 1-based): chr1:156,848,992, C>T on the plus strand (G>A on the coding strand, the complement: INSRR is on the minus strand). VCF-style: chr1-156848992-C-T. GRCh37 (hg19) VCF-style: chr1-156818784-C-T.
Other names: c.122+6799C>T (NM_001007792.1).
Identifiers: ClinVar variation 3388907 (VCV003388907.14).